The following is an entry in ClinVar:

ClinVar aggregate classification (germline): Uncertain significance (1 of 4 stars; one submission).

Allele frequency attached by ClinVar (database versions not stated): gnomAD exomes below 0.00001.
gnomAD v4.1: 1 of 1,612,806 alleles (0.000062%); highest among the groups gnomAD compares: Non-Finnish European, 0.000085%; no homozygotes.

Submission:

GeneDx
Classification: Uncertain significance. Last evaluated: 2019-09-30. Review status: criteria provided, single submitter. Criteria: GeneDx Variant Classification Process June 2021. Collection method: clinical testing. Allele origin: germline. Affected: yes.
Comment: Not observed in large population cohorts (Lek et al., 2016); Canonical splice site variant in a gene for which loss-of-function is not a known mechanism of disease; Has not been previously published as pathogenic or benign to our knowledge

NM_020297.4(ABCC9):c.1618+2T>G

Gene: ABCC9 (ATP binding cassette subfamily C member 9; minus strand). Cytogenetic location: 12p12.1.
Variant type: single nucleotide variant.
Coding change: c.1618+2T>G on transcript NM_020297.4 (MANE Select); the canonical splice donor site of the intron after coding-DNA position 1618, T replaced by G.
Molecular consequence: splice donor variant.
Genome position (GRCh38, 1-based): chr12:21,906,124, A>C on the plus strand (T>G on the coding strand, the complement: ABCC9 is on the minus strand). VCF-style: chr12-21906124-A-C. GRCh37 (hg19) VCF-style: chr12-22059058-A-C.
Other names: c.754+2T>G (NM_001377274.1); c.1618+2T>G (NM_005691.4, NM_001377273.1).
Identifiers: ClinVar variation 432508 (VCV000432508.3), dbSNP rs1273224034, ClinGen allele CA384138939.